The following is an entry in ClinVar:

NM_001354768.3(NRL):c.*1118G>A

Gene: NRL (neural retina leucine zipper; minus strand). Cytogenetic location: 14q11.2.
Variant type: single nucleotide variant.
Coding change: c.*1118G>A on transcript NM_001354768.3 (MANE Select); 1118 bases downstream of the stop codon, G replaced by A.
Molecular consequence: 3 prime UTR variant.
Genome position (GRCh38, 1-based): chr14:24,080,118, C>T on the plus strand (G>A on the coding strand, the complement: NRL is on the minus strand). VCF-style: chr14-24080118-C-T. GRCh37 (hg19) VCF-style: chr14-24549327-C-T.
Other names: c.*1118G>A (NM_001354769.1, NM_001354770.2, NM_006177.5).
Identifiers: ClinVar variation 312924 (VCV000312924.5), dbSNP rs77284446, ClinGen allele CA10634757.

ClinVar aggregate classification (germline): Benign (1 of 4 stars; one submission).

Conditions:
Retinitis pigmentosa (RP). Identifiers: Orphanet 791, MedGen C0035334, MeSH D012174, MONDO:0019200, OMIM 268000. Inheritance: Autosomal dominant, autosomal recessive and X linked inheritance.

Allele frequency attached by ClinVar (database versions not stated): 1000 Genomes Project 0.01538; gnomAD 0.01567 and 0.01707; 1000 Genomes Project 30x 0.01655; TOPMed 0.01829.

Submission:

Illumina Laboratory Services, Illumina
Classification: Benign for Retinitis pigmentosa. Last evaluated: 2018-01-13. Review status: criteria provided, single submitter. Criteria: ICSL Variant Classification Criteria 13 December 2019. Collection method: clinical testing. Allele origin: germline.
Comment: This variant was observed in the ICSL laboratory as part of a predisposition screen in an ostensibly healthy population. It had not been previously curated by ICSL or reported in the Human Gene Mutation Database (HGMD: prior to June 1st, 2018), and was therefore a candidate for classification through an automated scoring system. Utilizing variant allele frequency, disease prevalence and penetrance estimates, and inheritance mode, an automated score was calculated to assess if this variant is too frequent to cause the disease. Based on the score and internal cut-off values, a variant classified as benign is not then subjected to further curation. The score for this variant resulted in a classification of benign for this disease.